The following is an entry in ClinVar:

ClinVar aggregate classification (germline): Uncertain significance (1 of 4 stars; one submission).

Conditions:
Congenital dyserythropoietic anemia, type II (CDAN2). Also called: DYSERYTHROPOIETIC ANEMIA, HEMPAS TYPE. Identifiers: Orphanet 98873, MedGen C1306589, MONDO:0009134, OMIM 224100.
Cowden syndrome 7 (CWS7). Identifiers: Orphanet 201, MedGen C4225179, MONDO:0014802, OMIM 616858.

Submission:

Labcorp Genetics (formerly Invitae), Labcorp
Classification: Uncertain significance for Congenital dyserythropoietic anemia, type II; Cowden syndrome 7. Last evaluated: 2023-12-27. Review status: criteria provided, single submitter. Criteria: Invitae Variant Classification Sherloc (09022015). Collection method: clinical testing. Allele origin: germline.
Comment: This sequence change replaces arginine, which is basic and polar, with leucine, which is neutral and non-polar, at codon 497 of the SEC23B protein (p.Arg497Leu). This variant is not present in population databases (gnomAD no frequency). This variant has not been reported in the literature in individuals affected with SEC23B-related conditions. Advanced modeling of protein sequence and biophysical properties (such as structural, functional, and spatial information, amino acid conservation, physicochemical variation, residue mobility, and thermodynamic stability) has been performed at Invitae for this missense variant, however the output from this modeling did not meet the statistical confidence thresholds required to predict the impact of this variant on SEC23B protein function. This variant disrupts the p.Arg497 amino acid residue in SEC23B. Other variant(s) that disrupt this residue have been determined to be pathogenic (PMID: 19561605, 19621418, 20015893; 27471141).). This suggests that this residue is clinically significant, and that variants that disrupt this residue are likely to be disease-causing. In summary, the available evidence is currently insufficient to determine the role of this variant in disease. Therefore, it has been classified as a Variant of Uncertain Significance.

Literature cited by the submitters: PubMed 19561605; PubMed 19621418; PubMed 20015893; PubMed 27471141.

NM_006363.6(SEC23B):c.1490G>T (p.Arg497Leu)

Gene: SEC23B (SEC23 homolog B, COPII component; plus strand). Cytogenetic location: 20p11.23.
Variant type: single nucleotide variant.
Coding change: c.1490G>T on transcript NM_006363.6 (MANE Select); coding-DNA position 1490, G replaced by T.
Protein change: p.Arg497Leu; replaces arginine 497 with leucine.
Molecular consequence: missense variant.
Genome position (GRCh38, 1-based): chr20:18,542,381, G>T. VCF-style: chr20-18542381-G-T. GRCh37 (hg19) VCF-style: chr20-18523025-G-T.
Other names: c.1490G>T, p.Arg497Leu (NM_001172745.3, NM_032985.6, NM_032986.5); c.1436G>T, p.Arg479Leu (NM_001172746.3); short protein forms R497L, R479L.
Identifiers: ClinVar variation 2921717 (VCV002921717.3), dbSNP rs368084647, ClinGen allele CA408363886.